The following is an entry in ClinVar:

NM_000059.4(BRCA2):c.1185G>T (p.Trp395Cys)

Gene: BRCA2 (BRCA2 DNA repair associated; plus strand). Cytogenetic location: 13q13.1.
Variant type: single nucleotide variant.
Coding change: c.1185G>T on transcript NM_000059.4 (MANE Select); coding-DNA position 1185, G replaced by T.
Protein change: p.Trp395Cys; replaces tryptophan 395 with cysteine.
Molecular consequence: missense variant.
Genome position (GRCh38, 1-based): chr13:32,332,663, G>T. VCF-style: chr13-32332663-G-T. GRCh37 (hg19) VCF-style: chr13-32906800-G-T.
Other names: short protein forms W395C.
Identifiers: ClinVar variation 818530 (VCV000818530.15), dbSNP rs886039315, ClinGen allele CA387762001.
Genomic context (GRCh38, chr13:32,332,663, plus strand): 5'-CTTTGAGAGTGGAAGTGACAAAATCTCCAAGGAAGTTGTACCGTCTTTGGCCTGTGAATG[G>T]TCTCAACTAACCCTTTCAGGTCTAAATGGAGCCCAGATGGAGAAAATACCCCTATTGCAT-3'
Protein context (NP_000050.3, residues 385-405): KEVVPSLACE[Trp395Cys]SQLTLSGLNG

ClinVar aggregate classification (germline): Conflicting classifications of pathogenicity. Review status: criteria provided, conflicting classifications (1 of 4 stars). 4 submissions from 4 submitters: Uncertain significance (3); Likely benign (1). Last evaluated 2025-09-09.

Conditions:
Hereditary breast ovarian cancer syndrome. Also called: Hereditary breast and ovarian cancer syndrome (HBOC); Breast and ovarian cancer; BRCA1- and BRCA2-Associated Hereditary Breast and Ovarian Cancer; Hereditary breast and/or ovarian cancer syndrome; Hereditary breast and ovarian cancer syndrome; Hereditary breast and ovarian cancer. Identifiers: Orphanet 145, MedGen C0677776, MeSH D061325, MONDO:0003582. Disease mechanism: loss of function.
Hereditary cancer-predisposing syndrome. Also called: Tumor predisposition; Hereditary neoplastic syndrome; Neoplastic Syndromes, Hereditary; Hereditary Cancer Syndrome. Identifiers: Orphanet 140162, MedGen C0027672, MeSH D009386, MONDO:0015356.

Allele frequency attached by ClinVar (database versions not stated): gnomAD exomes below 0.00001; TOPMed below 0.00001; gnomAD 0.00001.
gnomAD v4.1: 2 of 1,613,938 alleles (0.00012%); highest among the groups gnomAD compares: Non-Finnish European, 0.00017%; no homozygotes.

Submissions (4):

Color Diagnostics, LLC DBA Color Health
Classification: Uncertain significance for Hereditary cancer-predisposing syndrome. Last evaluated: 2025-09-09. Review status: criteria provided, single submitter. Criteria: ACMG Guidelines, 2015. Collection method: clinical testing. Allele origin: germline.
Comment: This missense variant replaces tryptophan with cysteine at codon 395 of the BRCA2 protein. Computational prediction suggests that this variant may not impact protein structure and function. To our knowledge, functional studies have not been reported for this variant. This variant has been detected in a breast cancer case-control meta-analysis in 0/60466 cases and 1/53461 unaffected individuals (PMID: 33471991Leiden Open Variation Database DB-ID BRCA2_007800). This variant has not been identified in the general population by the Genome Aggregation Database (gnomAD). The available evidence is insufficient to determine the role of this variant in disease conclusively. Therefore, this variant is classified as a Variant of Uncertain Significance.

Ambry Genetics
Classification: Uncertain significance for Hereditary cancer-predisposing syndrome. Last evaluated: 2024-07-25. Review status: criteria provided, single submitter. Criteria: Ambry Variant Classification Scheme 2023. Collection method: clinical testing. Allele origin: germline.
Comment: The p.W395C variant (also known as c.1185G>T), located in coding exon 9 of the BRCA2 gene, results from a G to T substitution at nucleotide position 1185. The tryptophan at codon 395 is replaced by cysteine, an amino acid with highly dissimilar properties. This amino acid position is not well conserved in available vertebrate species. In addition, this alteration is predicted to be tolerated by in silico analysis. Based on the available evidence, the clinical significance of this variant remains unclear.

Labcorp Genetics (formerly Invitae), Labcorp
Classification: Uncertain significance for Hereditary breast ovarian cancer syndrome. Last evaluated: 2023-09-04. Review status: criteria provided, single submitter. Criteria: Invitae Variant Classification Sherloc (09022015). Collection method: clinical testing. Allele origin: germline.
Comment: This variant is not present in population databases (gnomAD no frequency). This variant has not been reported in the literature in individuals affected with BRCA2-related conditions. ClinVar contains an entry for this variant (Variation ID: 818530). Advanced modeling of protein sequence and biophysical properties (such as structural, functional, and spatial information, amino acid conservation, physicochemical variation, residue mobility, and thermodynamic stability) performed at Invitae indicates that this missense variant is not expected to disrupt BRCA2 protein function. In summary, the available evidence is currently insufficient to determine the role of this variant in disease. Therefore, it has been classified as a Variant of Uncertain Significance. This sequence change replaces tryptophan, which is neutral and slightly polar, with cysteine, which is neutral and slightly polar, at codon 395 of the BRCA2 protein (p.Trp395Cys).

University of Washington Department of Laboratory Medicine, University of Washington
Classification: Likely benign for Hereditary cancer-predisposing syndrome. Last evaluated: 2023-03-23. Review status: criteria provided, single submitter. Criteria: Dines et al. (Genet Med. 2020). Collection method: curation. Allele origin: germline.
Comment: Missense variant in a coldspot region where missense variants are very unlikely to be pathogenic (PMID:31911673).

BRCA2 exon 10 coldspot. Reclassification based on statistical prior probability.

Literature cited by the submitters: PubMed 33471991 (cited by Color Diagnostics, LLC DBA Color Health).